The following is an entry in ClinVar:

ClinVar aggregate classification (germline): Pathogenic (1 of 4 stars; one submission).

Submission:

Labcorp Genetics (formerly Invitae), Labcorp
Classification: Pathogenic. Last evaluated: 2021-11-15. Review status: criteria provided, single submitter. Criteria: Invitae Variant Classification Sherloc (09022015). Collection method: clinical testing. Allele origin: germline.
Comment: For these reasons, this variant has been classified as Pathogenic. This variant disrupts a region of the FZD4 protein in which other variant(s) (p.Gln505*) have been determined to be pathogenic (PMID: 15223780). This suggests that this is a clinically significant region of the protein, and that variants that disrupt it are likely to be disease-causing. This variant has not been reported in the literature in individuals affected with FZD4-related conditions. This variant is not present in population databases (gnomAD no frequency). This sequence change creates a premature translational stop signal (p.Pro447Leufs*5) in the FZD4 gene. While this is not anticipated to result in nonsense mediated decay, it is expected to disrupt the last 91 amino acid(s) of the FZD4 protein.

Literature cited by the submitters: PubMed 15223780.

NM_012193.4(FZD4):c.1340del (p.Pro447fs)

Genes: FZD4 (frizzled class receptor 4; minus strand), PRSS23 (serine protease 23; plus strand). Cytogenetic location: 11q14.2.
Variant type: Deletion.
Coding change: c.1340del on transcript NM_012193.4 (MANE Select); coding-DNA position 1340, one base deleted (C; older notation c.1340delC).
Protein change: p.Pro447fs; shifts the reading frame from proline 447.
Molecular consequence: frameshift variant. On other transcripts: non-coding transcript variant (2).
Genome position (GRCh38, 1-based): chr11:86,951,416, G deleted on the plus strand (C on the coding strand, the reverse complement: FZD4 is on the minus strand); the first of 2 consecutive G bases (chr11:86,951,416-86,951,417); deleting either gives the same sequence. VCF-style (leftmost placement, unchanged base first): chr11-86951415-AG-A. GRCh37 (hg19) VCF-style: chr11-86662457-AG-A.
Other names: short protein forms P447fs.
Identifiers: ClinVar variation 1455388 (VCV001455388.6), dbSNP rs2135040135, ClinGen allele CA2573147785.